The following is an entry in ClinVar:

NM_000038.6(APC):c.531+5_531+8del

Gene: APC (APC regulator of Wnt signaling pathway; plus strand). Cytogenetic location: 5q22.2.
Variant type: Microsatellite.
Coding change: c.531+5_531+8del on transcript NM_000038.6 (MANE Select); bases 5 to 8 of the intron after coding-DNA position 531, 4 bases deleted (GTAA; older notation c.531+5_531+8delGTAA).
Molecular consequence: splice donor variant.
Genome position (GRCh38, 1-based): chr5:112,775,742-112,775,745, GTAA deleted; deleting any 4 consecutive bases within chr5:112,775,738-112,775,745 gives the same sequence; the c. name uses the placement nearest the transcript's 3' end. VCF-style (leftmost placement, unchanged base first): chr5-112775737-TGTAA-T. GRCh37 (hg19) VCF-style: chr5-112111434-TGTAA-T.
Other names: c.531+5_531+8del (NM_001354895.2, NM_001127510.3, NM_001354896.2 and 2 more transcripts); c.561+5_561+8del (NM_001354897.2, NM_001354902.2, NM_001127511.3); c.456+5_456+8del (NM_001354898.2, NM_001354904.2); c.-505+5_-505+8del (NM_001354906.2); c.354+5_354+8del (NM_001354900.2, NM_001354901.2, NM_001354905.2); c.531+5_531+8delGTAA (NM_000038.5).
Identifiers: ClinVar variation 537529 (VCV000537529.9), dbSNP rs1554071617, ClinGen allele CA658760464.

ClinVar aggregate classification (germline): Likely pathogenic. Review status: reviewed by expert panel (3 of 4 stars). 3 submissions from 3 submitters: Likely pathogenic (1). 2 of the submissions do not count toward it. Last evaluated 2025-05-15.

Conditions:
Inherited polyposis and early onset colorectal cancer - germline testing.
Familial adenomatous polyposis 1 (FAP1). Also called: FAMILIAL ADENOMATOUS POLYPOSIS 1, ATTENUATED; POLYPOSIS, ADENOMATOUS INTESTINAL. Identifiers: MedGen C2713442, MONDO:0021056, OMIM 175100. Disease mechanism: loss of function.

Submissions (3):

ClinGen InSiGHT Hereditary Colorectal Cancer/Polyposis Variant Curation Expert Panel
Classification: Likely pathogenic for Familial adenomatous polyposis 1. Last evaluated: 2025-05-15. Review status: reviewed by expert panel. Criteria: ClinGen InSiGHT HCCP VCEP ACMG Specifications APC V1. Collection method: curation. Allele origin: germline. Inheritance: Autosomal dominant inheritance.
Comment: The NM_000038.6(APC):c.531+5_531+8del variant is located in intron 5 of the APC gene. RT-PCR demonstrated that this variant impacts splicing by skipping of exon 5 resulting in a premature stop codon (PS3_Moderate, PMID: 15459959). This variant is absent from gnomAD v.2.1.1 (PM2_Supporting). This variant has been reported in 5 probands meeting phenotypic criteria, resulting in a total phenotype score of 3.5 (PS4_Moderate; internal data Labcorp Genetics [formerly Invitae] and Institute of Human Genetics, Bonn, Germany, PMID: 15459959 and 20223039). The results from two in silico splicing predictors (SpliceAI and VarSeak) indicate that this variant may affect splicing by disrupting the donor splice site of intron 5 of APC (PP3). In summary, this variant meets the criteria to be classified as Likely Pathogenic for autosomal-dominant inherited FAP based on the ACMG/AMP criteria applied, as specified by the ClinGen InSiGHT Hereditary Colorectal Cancer/Polyposis VCEP: PS3_Moderate, PM2_Supporting, PP3, and PS4_Moderate (VCEP specifications version v2.1.0; date of approval 11/24/2023).

Genomics and Molecular Medicine Service, East Genomic Laboratory Hub, NHS Genomic Medicine Service
Classification: Likely pathogenic for Inherited polyposis and early onset colorectal cancer - germline testing. Last evaluated: 2024-09-19. Review status: criteria provided, single submitter. Criteria: ACGS Best Practice Guidelines for Variant Classification in Rare Disease 2020. Collection method: clinical testing. Allele origin: germline. Affected: yes. Not counted in ClinVar's aggregate classification.
Comment: PS1_Moderate,PS3,PS4_Supporting,PM2_Supporting

Labcorp Genetics (formerly Invitae), Labcorp
Classification: Likely pathogenic for Familial adenomatous polyposis 1. Last evaluated: 2018-01-01. Review status: criteria provided, single submitter. Criteria: Invitae Variant Classification Sherloc (09022015). Collection method: clinical testing. Allele origin: germline. Not counted in ClinVar's aggregate classification.
Comment: In summary, the currently available evidence indicates that the variant is pathogenic, but additional data are needed to prove that conclusively. Therefore, this variant has been classified as Likely Pathogenic. A different variant that affects the +5 position of intron 5 of APC gene in the same way as this variant (c.531+5G>C) has been determined to be pathogenic (PMID: 19196998, 12010888). This suggests that the +5 position in this intron is important for normal RNA splicing, and that other variants that affect this position may also be pathogenic. Nucleotide substitutions within the consensus splice site are a relatively common cause of aberrant splicing (PMID: 17576681, 9536098). Experimental studies have shown that this intronic change can result in skipping of exon 4 of the APC mRNA (PMID: 15459959). This variant has been reported in an individual affected with familial adenomatous polyposis (PMID: 15459959). This variant is not present in population databases (ExAC no frequency). This sequence change falls in intron 5 of the APC gene. It does not directly change the encoded amino acid sequence of the APC protein, but it affects a nucleotide within the consensus splice site of the intron.

Literature cited by the submitters: PubMed 19196998 (cited by Labcorp Genetics (formerly Invitae), Labcorp); PubMed 12010888 (cited by Labcorp Genetics (formerly Invitae), Labcorp); PubMed 17576681 (cited by Labcorp Genetics (formerly Invitae), Labcorp); PubMed 9536098 (cited by Labcorp Genetics (formerly Invitae), Labcorp); PubMed 15459959 (cited by Labcorp Genetics (formerly Invitae), Labcorp).